The following is an entry in ClinVar:

ClinVar aggregate classification (germline): Uncertain significance (1 of 4 stars; one submission).

gnomAD v4.1: 12 of 1,501,466 alleles (0.0008%); highest among the groups gnomAD compares: Non-Finnish European, 0.00098%; no homozygotes.

Submission:

GeneDx
Classification: Uncertain significance. Last evaluated: 2025-09-02. Review status: criteria provided, single submitter. Criteria: GeneDx Variant Classification Process June 2021. Collection method: clinical testing. Allele origin: germline. Affected: yes.
Comment: Not observed at significant frequency in large population cohorts (gnomAD); In silico analysis suggests that this variant does not alter splicing; Has not been previously published as pathogenic or benign to our knowledge; Reported using an alternate transcript of the gene

NM_001326342.2(CELF2):c.11C>T (p.Ala4Val)

Gene: CELF2 (CUGBP Elav-like family member 2; plus strand). Cytogenetic location: 10p14.
Variant type: single nucleotide variant.
Coding change: c.11C>T on transcript NM_001326342.2 (MANE Select); coding-DNA position 11, C replaced by T.
Protein change: p.Ala4Val; replaces alanine 4 with valine.
Molecular consequence: missense variant. On other transcripts: intron variant (24).
Genome position (GRCh38, 1-based): chr10:11,018,100, C>T. VCF-style: chr10-11018100-C-T. GRCh37 (hg19) VCF-style: chr10-11060063-C-T.
Other names: c.-20+98101C>T (NM_001326323.2, NM_001326320.2, NM_001326321.2 and 4 more transcripts); c.-20+77646C>T (NM_001326319.2); c.146+98101C>T (NM_001326325.2); c.89+98101C>T (NM_001326327.2, NM_001326326.2); c.-20+13102C>T (NM_001326330.2, NM_001326329.2); c.-205+12660C>T (NM_001326334.2); c.53+12660C>T (NM_001326336.2, NM_001326335.2, NM_001326337.2 and 4 more transcripts); c.-552+12660C>T (NM_001326333.2); and 2 more; short protein forms A4V.
Identifiers: ClinVar variation 4812929 (VCV004812929.1).